The following is an entry in ClinVar:

ClinVar aggregate classification (germline): Uncertain significance (1 of 4 stars; one submission).

gnomAD v4.1: 4 of 1,614,228 alleles (0.00025%); highest among the groups gnomAD compares: South Asian, 0.0044%; no homozygotes.

Submission:

Quest Diagnostics Nichols Institute San Juan Capistrano
Classification: Uncertain significance. Last evaluated: 2024-08-14. Review status: criteria provided, single submitter. Criteria: Quest Diagnostics criteria. Collection method: clinical testing. Allele origin: unknown.
Comment: The EGFR c.2314C>G (p.Pro772Ala) variant has not been reported in individuals with EGFR-related conditions in the published literature. The frequency of this variant in the general population, 0.000008 (2/251236 chromosomes (Genome Aggregation Database)), is uninformative in the assessment of its pathogenicity. Analysis of this variant using bioinformatics tools for the prediction of the effect of amino acid changes on protein structure and function yielded conflicting predictions that this variant is deleterious or benign. Based on the available information, we are unable to determine the clinical significance of this variant.

NM_005228.5(EGFR):c.2314C>G (p.Pro772Ala)

Genes: EGFR (epidermal growth factor receptor; plus strand), EGFR-AS1 (EGFR antisense RNA 1; minus strand). Cytogenetic location: 7p11.2.
Variant type: single nucleotide variant.
Coding change: c.2314C>G on transcript NM_005228.5 (MANE Select); coding-DNA position 2314, C replaced by G.
Protein change: p.Pro772Ala; replaces proline 772 with alanine.
Molecular consequence: missense variant. On other transcripts: non-coding transcript variant (1).
Genome position (GRCh38, 1-based): chr7:55,181,323, C>G. VCF-style: chr7-55181323-C-G. GRCh37 (hg19) VCF-style: chr7-55249016-C-G.
Other names: c.2179C>G, p.Pro727Ala (NM_001346897.2, NM_001346899.2); c.2314C>G, p.Pro772Ala (NM_001346898.2); c.2155C>G, p.Pro719Ala (NM_001346900.2); c.1513C>G, p.Pro505Ala (NM_001346941.2); short protein forms P727A, P719A, P505A, P772A.
Identifiers: ClinVar variation 3572244 (VCV003572244.1).